The following is an entry in ClinVar:

ClinVar aggregate classification (germline): Likely benign. Review status: criteria provided, multiple submitters, no conflicts (2 of 4 stars). 2 submissions from 2 submitters: Likely benign (2). Last evaluated 2025-10-01.

gnomAD v4.1: 133 of 1,605,434 alleles (0.0083%); highest among the groups gnomAD compares: East Asian, 0.16%; no homozygotes.

Submissions (2):

CeGaT Center for Human Genetics Tuebingen
Classification: Likely benign. Last evaluated: 2025-10-01. Review status: criteria provided, single submitter. Criteria: CeGaT Center For Human Genetics Tuebingen Variant Classification Criteria Version 2. Collection method: clinical testing. Allele origin: germline. Affected: yes. Observed: 1 variant allele.
Comment: CHD5: BP4, BP7

Women's Health and Genetics/Laboratory Corporation of America, LabCorp
Classification: Likely benign. Last evaluated: 2025-09-11. Review status: criteria provided, single submitter. Criteria: LabCorp Variant Classification Summary - May 2015. Collection method: clinical testing. Allele origin: germline.

NM_015557.3(CHD5):c.3411C>T (p.Ile1137=)

Gene: CHD5 (chromodomain helicase DNA binding protein 5; minus strand). Cytogenetic location: 1p36.31.
Variant type: single nucleotide variant.
Coding change: c.3411C>T on transcript NM_015557.3 (MANE Select); coding-DNA position 3411, C replaced by T.
Protein change: p.Ile1137=; no amino-acid change (isoleucine 1137 retained).
Molecular consequence: synonymous variant.
Genome position (GRCh38, 1-based): chr1:6,129,046, G>A on the plus strand (C>T on the coding strand, the complement: CHD5 is on the minus strand). VCF-style: chr1-6129046-G-A. GRCh37 (hg19) VCF-style: chr1-6189106-G-A.
Identifiers: ClinVar variation 4534486 (VCV004534486.6).